The following is an entry in ClinVar:

ClinVar aggregate classification (germline): Conflicting classifications of pathogenicity. Review status: criteria provided, conflicting classifications (1 of 4 stars). 37 submissions from 37 submitters: Uncertain significance (1); Benign (8); Likely benign (17). 11 of the submissions do not count toward it. Last evaluated 2026-09-01.

Conditions:
ATM-related cancer predisposition. Also called: ATM-related cancer susceptibility. Identifiers: MedGen CN377759, MONDO:0700270.
Breast and/or ovarian cancer. Identifiers: MedGen CN221562.
Hereditary cancer-predisposing syndrome. Also called: Neoplastic Syndromes, Hereditary; Hereditary Cancer Syndrome; Tumor predisposition; Hereditary neoplastic syndrome. Identifiers: Orphanet 140162, MedGen C0027672, MeSH D009386, MONDO:0015356.
Ataxia-telangiectasia syndrome (AT). Also called: LOUIS-BAR SYNDROME; Cerebello-oculocutaneous telangiectasia; Immunodeficiency with ataxia telangiectasia; Ataxia-telangiectasia, complementation group E; Ataxia telangiectasia (A-T); Ataxia-telangiectasia, complementation group D. Identifiers: Orphanet 100, MedGen C0004135, MONDO:0008840, OMIM 208900.
Familial cancer of breast. Also called: hereditary breast carcinoma; BREAST CANCER, FAMILIAL; Hereditary breast cancer. Identifiers: Orphanet 227535, MedGen C0346153, MONDO:0016419, OMIM 114480. Disease mechanism: loss of function.
Malignant tumor of breast. Also called: Malignant breast neoplasm; Cancer breast. Identifiers: MedGen C0006142, MONDO:0007254. Disease mechanism: loss of function.

Allele frequency attached by ClinVar (database versions not stated): ESP Exome Variant Server 0.00062; gnomAD 0.00071 and 0.00077; gnomAD exomes 0.00077 and 0.00098; TOPMed 0.00086; ExAC 0.00098; 1000 Genomes Project 0.00260; 1000 Genomes Project 30x 0.00281.
gnomAD v4.1: 1,299 of 1,613,800 alleles (0.08%); highest among the groups gnomAD compares: Middle Eastern, 2.2%; 11 homozygotes.

Submissions 1 to 20 of 37:

CeGaT Center for Human Genetics Tuebingen
Classification: Likely benign. Last evaluated: 2026-09-01. Review status: criteria provided, single submitter. Criteria: CeGaT Center For Human Genetics Tuebingen Variant Classification Criteria Version 2. Collection method: clinical testing. Allele origin: germline. Affected: yes. Observed: 40 variant alleles.
Comment: ATM: BP4, BS1

Labcorp Genetics (formerly Invitae), Labcorp
Classification: Benign for Ataxia-telangiectasia syndrome. Last evaluated: 2026-02-03. Review status: criteria provided, single submitter. Criteria: Invitae Variant Classification Sherloc (09022015). Collection method: clinical testing. Allele origin: germline.

Dasa
Classification: Benign for ATM-related cancer predisposition. Last evaluated: 2025-10-29. Review status: criteria provided, single submitter. Criteria: DASA Assertion Criteria. Collection method: clinical testing. Allele origin: germline.
Comment: NM_000051.4(ATM):c.1744T>C (p.Phe582Leu) is a missense variant that results in the substitution of phenylalanine with leucine. Population frequency is inconsistent with a disease-causing role for this variant. Therefore, based on the currently available evidence, this variant is classified as benign.

ARUP Laboratories, Molecular Genetics and Genomics, ARUP Laboratories
Classification: Likely benign. Last evaluated: 2025-06-27. Review status: criteria provided, single submitter. Criteria: ARUP Molecular Germline Variant Investigation Process 2024. Collection method: clinical testing. Allele origin: germline.

Center for Genomic Medicine, Rigshospitalet, Copenhagen University Hospital
Classification: Likely benign. Last evaluated: 2025-03-04. Review status: criteria provided, single submitter. Criteria: ACMG Guidelines, 2015. Collection method: clinical testing. Allele origin: germline.

Laboratory of Genetics, Children's Clinical University Hospital Latvia
Classification: Likely benign. Last evaluated: 2025-02-16. Review status: criteria provided, single submitter. Criteria: ACMG Guidelines, 2015. Collection method: clinical testing. Allele origin: germline. Affected: yes.

Myriad Genetics, Inc.
Classification: Benign for Familial cancer of breast. Last evaluated: 2025-01-16. Review status: criteria provided, single submitter. Criteria: Myriad Autosomal Dominant, Autosomal Recessive and X-Linked Classification Criteria (2023). Collection method: clinical testing. Allele origin: unknown.
Comment: This variant is considered benign. This variant is strongly associated with less severe personal and family histories of cancer, typical for individuals without pathogenic variants in this gene [PMID: 25085752]. This variant has been observed at a population frequency that is significantly greater than expected given the associated disease prevalence and penetrance.

Blueprint Genetics
Classification: Likely benign. Last evaluated: 2024-11-22. Review status: criteria provided, single submitter. Criteria: ACMG Guidelines, 2015. Collection method: clinical testing. Allele origin: germline.

Mayo Clinic Laboratories, Mayo Clinic
Classification: Likely benign. Last evaluated: 2024-02-01. Review status: criteria provided, single submitter. Criteria: ACMG Guidelines, 2015. Collection method: clinical testing. Allele origin: germline. Observed: 13 variant alleles.
Comment: BS1, BS3_supporting

Quest Diagnostics Nichols Institute San Juan Capistrano
Classification: Benign. Last evaluated: 2023-09-21. Review status: criteria provided, single submitter. Criteria: Quest Diagnostics criteria. Collection method: clinical testing. Allele origin: unknown.

KCCC/NGS Laboratory, Kuwait Cancer Control Center
Classification: Benign for Familial cancer of breast. Last evaluated: 2023-07-07. Review status: criteria provided, single submitter. Criteria: ACMG Guidelines, 2015. Collection method: clinical testing. Allele origin: germline. Affected: yes.

CHEO Genetics Diagnostic Laboratory, Children's Hospital of Eastern Ontario
Classification: Likely benign for Breast and/or ovarian cancer. Last evaluated: 2023-02-22. Review status: criteria provided, single submitter. Criteria: ACMG Guidelines, 2015. Collection method: clinical testing. Allele origin: germline.

Genome-Nilou Lab
Classification: Likely benign for Ataxia-telangiectasia syndrome. Last evaluated: 2021-05-18. Review status: criteria provided, single submitter. Criteria: ACMG Guidelines, 2015. Collection method: clinical testing. Allele origin: germline. Affected: no.

Sema4
Classification: Likely benign for Hereditary cancer-predisposing syndrome. Last evaluated: 2021-02-18. Review status: criteria provided, single submitter. Criteria: Sema4 Curation Guidelines. Collection method: curation. Allele origin: germline.

Baylor Genetics
Classification: Uncertain significance for Ataxia-telangiectasia syndrome. Last evaluated: 2020-09-18. Review status: criteria provided, single submitter. Criteria: ACMG Guidelines, 2015. Collection method: clinical testing. Allele origin: unknown. Affected: yes. Study: CSER-TexasKidsCanSeq.
Comment: This variant was determined to be of uncertain significance according to ACMG Guidelines, 2015 [PMID:25741868].

Mendelics
Classification: Likely benign for Ataxia-telangiectasia syndrome. Last evaluated: 2019-05-28. Review status: criteria provided, single submitter. Criteria: Mendelics Assertion Criteria 2017. Collection method: clinical testing. Allele origin: unknown.

Athena Diagnostics
Classification: Benign. Last evaluated: 2019-03-13. Review status: criteria provided, single submitter. Criteria: Athena Diagnostics Criteria. Collection method: clinical testing. Allele origin: germline.

GeneDx
Classification: Benign. Last evaluated: 2017-06-08. Review status: criteria provided, single submitter. Criteria: GeneDx Variant Classification (06012015). Collection method: clinical testing. Allele origin: germline. Affected: yes.
Comment: This variant is considered likely benign or benign based on one or more of the following criteria: it is a conservative change, it occurs at a poorly conserved position in the protein, it is predicted to be benign by multiple in silico algorithms, and/or has population frequency not consistent with disease.

Clinical Genetics DNA and cytogenetics Diagnostics Lab, Erasmus MC, Erasmus Medical Center
Classification: Likely benign for Ataxia-telangiectasia syndrome. Last evaluated: 2017-05-31. Review status: criteria provided, single submitter. Criteria: ACGS Guidelines, 2013. Collection method: clinical testing. Allele origin: germline. Affected: yes. Study: VKGL Data-share Consensus.

Women's Health and Genetics/Laboratory Corporation of America, LabCorp
Classification: Likely benign. Last evaluated: 2017-05-22. Review status: criteria provided, single submitter. Criteria: LabCorp Variant Classification Summary - May 2015. Collection method: clinical testing. Allele origin: germline.
Comment: Variant summary: Variant affects a non-conserved nucleotide and results in a replacement of a large size and aromatic Phenylalanine (F) with a medium size and hydrophobic Leucine (L). 4/4 in silico tools predict the variant to be neutral. It was observed in the large and broad cohorts of the ExAC project at an allele frequency of 0.098% which does not exceed the maximal expected allele frequency of a disease causing AT allele (0.4%). The variant was reported in CLL, ALL and breast cancer patients, however without information about family history and co-segregation, therefore these reports do not provide strong evidence for a casual impact of the variant. It was reported as a germline alteration in a patient with T-ALL associated with a t(11:14) translocation by cytogenetic analysis with no evidence of an allelic loss in tumor DNA. One publication suggest the variant to confer a risk for CLL (OR:11.23) based on a case control study, however, the significance of this finding is uncertain due to the OR being calculated based on only one affected patient (Rudd_Blood_2006). In other studies, reporting an OR for association with sporadic T-ALL, the 95% CI's overlapped 1.0, and had very small sample sizes, thereby providing little to no confidence in the assertion of the assertion. On study reported the variant to result in normal ATM protein levels, normal kinase activity, and corrected radiosensitivity when expressed in A-T cells indicating neutrality. At least three publications (Mitui_Hum Mut_2009, Magliozzi_DiseaseMarkers_2006, Maxwell_AJHG_2016) and several clinical diagnostic laboratories classify this variant as Benign/Likely Benign. Considering all evidence, the variant was classified as Likely Benign until more information becomes available.

NM_000051.4(ATM):c.1744T>C (p.Phe582Leu)

Gene: ATM (ATM serine/threonine kinase; plus strand). Cytogenetic location: 11q22.3.
Variant type: single nucleotide variant.
Coding change: c.1744T>C on transcript NM_000051.4 (MANE Select); coding-DNA position 1744, T replaced by C.
Protein change: p.Phe582Leu; replaces phenylalanine 582 with leucine.
Molecular consequence: missense variant.
Genome position (GRCh38, 1-based): chr11:108,251,973, T>C. VCF-style: chr11-108251973-T-C. GRCh37 (hg19) VCF-style: chr11-108122700-T-C.
Other names: p.F582L:TTC>CTC; c.1744T>C, p.Phe582Leu (NM_001351834.2); short protein forms F582L.
Identifiers: ClinVar variation 127342 (VCV000127342.104), dbSNP rs2235006, ClinGen allele CA151457.